The following is an entry in ClinVar:

ClinVar aggregate classification (germline): Uncertain significance (1 of 4 stars; one submission).

Allele frequency attached by ClinVar (database versions not stated): gnomAD exomes below 0.00001; TOPMed 0.00001.
gnomAD v4.1: 1 of 1,614,090 alleles (0.000062%); highest among the groups gnomAD compares: Admixed American, 0.0017%; no homozygotes.

Submission:

Labcorp Genetics (formerly Invitae), Labcorp
Classification: Uncertain significance. Last evaluated: 2024-04-12. Review status: criteria provided, single submitter. Criteria: Invitae Variant Classification Sherloc (09022015). Collection method: clinical testing. Allele origin: germline.
Comment: This sequence change replaces glutamic acid, which is acidic and polar, with valine, which is neutral and non-polar, at codon 62 of the SETBP1 protein (p.Glu62Val). This variant is present in population databases (no rsID available, gnomAD 0.003%). This variant has not been reported in the literature in individuals affected with SETBP1-related conditions. An algorithm developed to predict the effect of missense changes on protein structure and function (PolyPhen-2) suggests that this variant is likely to be disruptive. In summary, the available evidence is currently insufficient to determine the role of this variant in disease. Therefore, it has been classified as a Variant of Uncertain Significance.

NM_015559.3(SETBP1):c.185A>T (p.Glu62Val)

Gene: SETBP1 (SET binding protein 1; plus strand). Cytogenetic location: 18q12.3.
Variant type: single nucleotide variant.
Coding change: c.185A>T on transcript NM_015559.3 (MANE Select); coding-DNA position 185, A replaced by T.
Protein change: p.Glu62Val; replaces glutamic acid 62 with valine.
Molecular consequence: missense variant.
Genome position (GRCh38, 1-based): chr18:44,701,531, A>T. VCF-style: chr18-44701531-A-T. GRCh37 (hg19) VCF-style: chr18-42281496-A-T.
Other names: c.185A>T, p.Glu62Val (NM_001130110.2, NM_001379141.1, NM_001379142.1 and 1 more transcripts); short protein forms E62V.
Identifiers: ClinVar variation 3021654 (VCV003021654.3), dbSNP rs1029376020, ClinGen allele CA299822536.